The following is an entry in ClinVar:

NM_004364.5(CEBPA):c.432G>T (p.Glu144Asp)

Gene: CEBPA (CCAAT enhancer binding protein alpha; minus strand). Cytogenetic location: 19q13.11.
Variant type: single nucleotide variant.
Coding change: c.432G>T on transcript NM_004364.5 (MANE Select); coding-DNA position 432, G replaced by T.
Protein change: p.Glu144Asp; replaces glutamic acid 144 with aspartic acid.
Molecular consequence: missense variant.
Genome position (GRCh38, 1-based): chr19:33,301,983, C>A on the plus strand (G>T on the coding strand, the complement: CEBPA is on the minus strand). VCF-style: chr19-33301983-C-A. GRCh37 (hg19) VCF-style: chr19-33792889-C-A.
Other names: c.75G>T, p.Glu25Asp (NM_001285829.2); c.537G>T, p.Glu179Asp (NM_001287424.2); c.390G>T, p.Glu130Asp (NM_001287435.2); c.432G>T (NM_004364.3); short protein forms E144D, E130D, E25D, E179D.
Identifiers: ClinVar variation 526817 (VCV000526817.10), dbSNP rs1555742184, ClinGen allele CA405274965.

ClinVar aggregate classification (germline): Uncertain significance. Review status: criteria provided, multiple submitters, no conflicts (2 of 4 stars). 2 submissions from 2 submitters: Uncertain significance (2). Last evaluated 2025-03-08.

Conditions:
Acute myeloid leukemia (AML). Also called: Leukemia, acute myeloid, somatic; Leukemia, acute myelogenous, somatic; Acute myeloid leukemia, adult; AML adult; Acute non-lymphocytic leukemia; Acute granulocytic leukemia. Identifiers: Orphanet 519, MedGen C0023467, MeSH D015470, MONDO:0018874, OMIM 601626, HP:0004808. Disease mechanism: Constitutively activated FLT3.
Inborn genetic diseases. Identifiers: MedGen C0950123, MeSH D030342.

Submissions (2):

Ambry Genetics
Classification: Uncertain significance for Inborn genetic diseases. Last evaluated: 2025-03-08. Review status: criteria provided, single submitter. Criteria: Ambry Variant Classification Scheme 2023. Collection method: clinical testing. Allele origin: germline.
Comment: The p.E144D variant (also known as c.432G>T), located in coding exon 1 of the CEBPA gene, results from a G to T substitution at nucleotide position 432. The glutamic acid at codon 144 is replaced by aspartic acid, an amino acid with highly similar properties. This amino acid position is conserved. In addition, this alteration is predicted to be tolerated by in silico analysis. Based on the available evidence, the clinical significance of this variant remains unclear.

Labcorp Genetics (formerly Invitae), Labcorp
Classification: Uncertain significance for Acute myeloid leukemia. Last evaluated: 2022-09-03. Review status: criteria provided, single submitter. Criteria: Invitae Variant Classification Sherloc (09022015). Collection method: clinical testing. Allele origin: germline.
Comment: This sequence change replaces glutamic acid, which is acidic and polar, with aspartic acid, which is acidic and polar, at codon 144 of the CEBPA protein (p.Glu144Asp). The frequency data for this variant in the population databases is considered unreliable, as metrics indicate insufficient coverage at this position in the gnomAD database. This variant has not been reported in the literature in individuals affected with CEBPA-related conditions. ClinVar contains an entry for this variant (Variation ID: 526817). Algorithms developed to predict the effect of missense changes on protein structure and function output the following: SIFT: "Tolerated"; PolyPhen-2: "Benign"; Align-GVGD: "Class C0". The aspartic acid amino acid residue is found in multiple mammalian species, which suggests that this missense change does not adversely affect protein function. In summary, the available evidence is currently insufficient to determine the role of this variant in disease. Therefore, it has been classified as a Variant of Uncertain Significance.